The following is an entry in ClinVar:

ClinVar aggregate classification (germline): Uncertain significance (1 of 4 stars; one submission).

Conditions:
Inborn genetic diseases. Identifiers: MedGen C0950123, MeSH D030342.

gnomAD v4.1: 1 of 1,613,756 alleles (0.000062%); no homozygotes.

Submission:

Ambry Genetics
Classification: Uncertain significance for Inborn genetic diseases. Last evaluated: 2025-04-18. Review status: criteria provided, single submitter. Criteria: Ambry Variant Classification Scheme 2023. Collection method: clinical testing. Allele origin: germline.
Comment: The p.H681L variant (also known as c.2042A>T), located in coding exon 16 of the BUB1B gene, results from an A to T substitution at nucleotide position 2042. The histidine at codon 681 is replaced by leucine, an amino acid with similar properties. This amino acid position is conserved. In addition, this alteration is predicted to be tolerated by in silico analysis. Based on the available evidence, the clinical significance of this variant remains unclear.

NM_001211.6(BUB1B):c.2042A>T (p.His681Leu)

Gene: BUB1B (BUB1 mitotic checkpoint serine/threonine kinase B; plus strand). Cytogenetic location: 15q15.1.
Variant type: single nucleotide variant.
Coding change: c.2042A>T on transcript NM_001211.6 (MANE Select); coding-DNA position 2042, A replaced by T.
Protein change: p.His681Leu; replaces histidine 681 with leucine.
Molecular consequence: missense variant.
Genome position (GRCh38, 1-based): chr15:40,208,669, A>T. VCF-style: chr15-40208669-A-T. GRCh37 (hg19) VCF-style: chr15-40500870-A-T.
Other names: short protein forms H681L.
Identifiers: ClinVar variation 3993682 (VCV003993682.1).
Genomic context (GRCh38, chr15:40,208,669, plus strand): 5'-AGAATTAACTTATTTTTGATTCTTTTAGCCCAATTATTGAAGACAGTCGTGAAGCCACAC[A>T]CTCCTCTGGCTTCTCTGGTTCTTCTGCCTCGGTTGCAAGCACCTCCTCCATCAAATGTCT-3'
Protein context (NP_001202.5, residues 671-691): PIIEDSREAT[His681Leu]SSGFSGSSAS